The following is an entry in ClinVar:

NM_032608.7(MYO18B):c.4906A>C (p.Ser1636Arg)

Gene: MYO18B (myosin XVIIIB; plus strand). Cytogenetic location: 22q12.1.
Variant type: single nucleotide variant.
Coding change: c.4906A>C on transcript NM_032608.7 (MANE Select); coding-DNA position 4906, A replaced by C.
Protein change: p.Ser1636Arg; replaces serine 1636 with arginine.
Molecular consequence: missense variant.
Genome position (GRCh38, 1-based): chr22:25,902,695, A>C. VCF-style: chr22-25902695-A-C. GRCh37 (hg19) VCF-style: chr22-26298662-A-C.
Other names: c.4909A>C, p.Ser1637Arg (NM_001318245.2); short protein forms S1636R, S1637R.
Identifiers: ClinVar variation 3624176 (VCV003624176.1).

ClinVar aggregate classification (germline): Uncertain significance (1 of 4 stars; one submission).

gnomAD v4.1: 11 of 1,593,602 alleles (0.00069%); highest among the groups gnomAD compares: Middle Eastern, 0.066%; no homozygotes.

Submission:

Labcorp Genetics (formerly Invitae), Labcorp
Classification: Uncertain significance. Last evaluated: 2024-11-19. Review status: criteria provided, single submitter. Criteria: Invitae Variant Classification Sherloc (09022015). Collection method: clinical testing. Allele origin: germline.
Comment: This sequence change replaces serine, which is neutral and polar, with arginine, which is basic and polar, at codon 1636 of the MYO18B protein (p.Ser1636Arg). This variant is present in population databases (rs765382944, gnomAD 0.001%). This variant has not been reported in the literature in individuals affected with MYO18B-related conditions. An algorithm developed to predict the effect of missense changes on protein structure and function (PolyPhen-2) suggests that this variant is likely to be disruptive. In summary, the available evidence is currently insufficient to determine the role of this variant in disease. Therefore, it has been classified as a Variant of Uncertain Significance.